The following is an entry in ClinVar:

ClinVar aggregate classification (germline): Uncertain significance (1 of 4 stars; one submission).

Submission:

Labcorp Genetics (formerly Invitae), Labcorp
Classification: Uncertain significance. Last evaluated: 2024-08-04. Review status: criteria provided, single submitter. Criteria: Invitae Variant Classification Sherloc (09022015). Collection method: clinical testing. Allele origin: germline.
Comment: This sequence change replaces glycine, which is neutral and non-polar, with alanine, which is neutral and non-polar, at codon 1166 of the COL11A1 protein (p.Gly1166Ala). This variant is not present in population databases (gnomAD no frequency). This variant has not been reported in the literature in individuals affected with COL11A1-related conditions. Advanced modeling of protein sequence and biophysical properties (such as structural, functional, and spatial information, amino acid conservation, physicochemical variation, residue mobility, and thermodynamic stability) has been performed at Invitae for this missense variant, however the output from this modeling did not meet the statistical confidence thresholds required to predict the impact of this variant on COL11A1 protein function. In summary, the available evidence is currently insufficient to determine the role of this variant in disease. Therefore, it has been classified as a Variant of Uncertain Significance.

NM_001854.4(COL11A1):c.3497G>C (p.Gly1166Ala)

Gene: COL11A1 (collagen type XI alpha 1 chain; minus strand). Cytogenetic location: 1p21.1.
Variant type: single nucleotide variant.
Coding change: c.3497G>C on transcript NM_001854.4 (MANE Select); coding-DNA position 3497, G replaced by C.
Protein change: p.Gly1166Ala; replaces glycine 1166 with alanine.
Molecular consequence: missense variant. On other transcripts: non-coding transcript variant (1).
Genome position (GRCh38, 1-based): chr1:102,934,552, C>G on the plus strand (G>C on the coding strand, the complement: COL11A1 is on the minus strand). VCF-style: chr1-102934552-C-G. GRCh37 (hg19) VCF-style: chr1-103400108-C-G.
Other names: c.3380G>C, p.Gly1127Ala (NM_001190709.2); c.3533G>C, p.Gly1178Ala (NM_080629.3); c.3149G>C, p.Gly1050Ala (NM_080630.4); short protein forms G1050A, G1127A, G1166A, G1178A.
Identifiers: ClinVar variation 3661384 (VCV003661384.2).
Genomic context (GRCh38, chr1:102,934,552, plus strand): 5'-CCCTCATCACCTTTTTGCCCAAACATCCCCTGCTGTCCTCTAGGACCTGGTTCACCATCA[C>G]CTCCCTAGAGAAGAGAAAGAAACATTATCACAAACTGGAAAAAATCATTACGATATGAGT-3'
Protein context (NP_001845.3, residues 1156-1176): GPVGAPGIAG[Gly1166Ala]DGEPGPRGQQ